The following is an entry in ClinVar:

NM_007294.4(BRCA1):c.3601G>C (p.Gly1201Arg)

Genes: BRCA1 (BRCA1 DNA repair associated; minus strand), LOC126862571 (BRD4-independent group 4 enhancer GRCh37_chr17:41243136-41244335; plus strand). Cytogenetic location: 17q21.31.
Variant type: single nucleotide variant.
Coding change: c.3601G>C on transcript NM_007294.4 (MANE Select); coding-DNA position 3601, G replaced by C.
Protein change: p.Gly1201Arg; replaces glycine 1201 with arginine.
Molecular consequence: missense variant. On other transcripts: intron variant (135).
Genome position (GRCh38, 1-based): chr17:43,091,930, C>G on the plus strand (G>C on the coding strand, the complement: BRCA1 is on the minus strand). VCF-style: chr17-43091930-C-G. GRCh37 (hg19) VCF-style: chr17-41243947-C-G.
Other names: c.461-898G>C (NM_001408506.1, NM_001408507.1); c.3478G>C, p.Gly1160Arg (NM_001407678.1, NM_001407679.1, NM_001407681.1 and 19 more transcripts); c.3601G>C, p.Gly1201Arg (NM_001407684.1, NM_007300.4, NM_001407581.1 and 30 more transcripts); c.785-898G>C (NM_001408396.1, NM_001407985.1, NM_001408401.1 and 13 more transcripts); c.578-898G>C (NM_001408481.1, NM_001408480.1, NM_001408492.1 and 9 more transcripts); c.662-898G>C (NM_001408435.1, NM_001408446.1, NM_001408448.1 and 6 more transcripts); c.779-898G>C (NM_001408408.1); c.3337G>C, p.Gly1113Arg (NM_001407924.1, NM_001407925.1, NM_001407926.1 and 9 more transcripts); and 41 more; short protein forms G1201R, G1154R, G1033R, G1073R, G1074R, G1133R, G1131R, G1175R.
Identifiers: ClinVar variation 489717 (VCV000489717.11), dbSNP rs55725337, ClinGen allele CA10594764.
Genomic context (GRCh38, chr17:43,091,930, plus strand): 5'-CATCCTCACTAGATAAGTTCTCTTCTGAGGACTCTAATTTCTTGGCCCCTCTTCGGTAAC[C>G]CTGAGCCAAATGTGTATGGGTGAAAGGGCTAGGACTCCTGCTAAGCTCTCCTTTCTGGAC-3'
Protein context (NP_009225.1, residues 1191-1211): SPFTHTHLAQ[Gly1201Arg]YRRGAKKLES

ClinVar aggregate classification (germline): Conflicting classifications of pathogenicity. Review status: criteria provided, conflicting classifications (1 of 4 stars). 4 submissions from 4 submitters: Uncertain significance (3); Likely benign (1). Last evaluated 2023-10-12.

Conditions:
Hereditary breast ovarian cancer syndrome. Also called: Breast and ovarian cancer; Hereditary breast and/or ovarian cancer syndrome; Hereditary breast and ovarian cancer; Hereditary breast and ovarian cancer syndrome (HBOC); BRCA1- and BRCA2-Associated Hereditary Breast and Ovarian Cancer; Hereditary breast and ovarian cancer syndrome. Identifiers: Orphanet 145, MedGen C0677776, MeSH D061325, MONDO:0003582. Disease mechanism: loss of function.
Hereditary cancer-predisposing syndrome. Also called: Hereditary Cancer Syndrome; Neoplastic Syndromes, Hereditary; Tumor predisposition; Hereditary neoplastic syndrome. Identifiers: Orphanet 140162, MedGen C0027672, MeSH D009386, MONDO:0015356.

Submissions (4):

Labcorp Genetics (formerly Invitae), Labcorp
Classification: Uncertain significance for Hereditary breast ovarian cancer syndrome. Last evaluated: 2023-10-12. Review status: criteria provided, single submitter. Criteria: Invitae Variant Classification Sherloc (09022015). Collection method: clinical testing. Allele origin: germline.
Comment: This sequence change replaces glycine, which is neutral and non-polar, with arginine, which is basic and polar, at codon 1201 of the BRCA1 protein (p.Gly1201Arg). This variant is not present in population databases (gnomAD no frequency). This variant has not been reported in the literature in individuals affected with BRCA1-related conditions. ClinVar contains an entry for this variant (Variation ID: 489717). Advanced modeling of protein sequence and biophysical properties (such as structural, functional, and spatial information, amino acid conservation, physicochemical variation, residue mobility, and thermodynamic stability) performed at Invitae indicates that this missense variant is not expected to disrupt BRCA1 protein function. In summary, the available evidence is currently insufficient to determine the role of this variant in disease. Therefore, it has been classified as a Variant of Uncertain Significance.

GeneDx
Classification: Uncertain significance. Last evaluated: 2023-06-15. Review status: criteria provided, single submitter. Criteria: GeneDx Variant Classification Process June 2021. Collection method: clinical testing. Allele origin: germline. Affected: yes.
Comment: Not observed at significant frequency in large population cohorts (gnomAD); In silico analysis supports that this missense variant has a deleterious effect on protein structure/function; Has not been previously published as pathogenic or benign to our knowledge; Also known as 3720G>C; This variant is associated with the following publications: (PMID: 31911673, 29884841)

University of Washington Department of Laboratory Medicine, University of Washington
Classification: Likely benign for Hereditary cancer-predisposing syndrome. Last evaluated: 2023-03-23. Review status: criteria provided, single submitter. Criteria: Dines et al. (Genet Med. 2020). Collection method: curation. Allele origin: germline.
Comment: Missense variant in a coldspot region where missense variants are very unlikely to be pathogenic (PMID:31911673).

BRCA1 coldspot (exon 11 using historical exon numbering). Reclassification based on statistical prior probability

Color Diagnostics, LLC DBA Color Health
Classification: Uncertain significance for Hereditary cancer-predisposing syndrome. Last evaluated: 2019-04-06. Review status: criteria provided, single submitter. Criteria: ACMG Guidelines, 2015. Collection method: clinical testing. Allele origin: germline.